The following is an entry in ClinVar:

ClinVar aggregate classification (germline): Uncertain significance (1 of 4 stars; one submission).

Conditions:
Inborn genetic diseases. Identifiers: MedGen C0950123, MeSH D030342.

Submission:

Ambry Genetics
Classification: Uncertain significance for Inborn genetic diseases. Last evaluated: 2025-12-24. Review status: criteria provided, single submitter. Criteria: Ambry Variant Classification Scheme 2023. Collection method: clinical testing. Allele origin: germline.
Comment: The p.D158H variant (also known as c.472G>C), located in coding exon 3 of the MECOM gene, results from a G to C substitution at nucleotide position 472. The aspartic acid at codon 158 is replaced by histidine, an amino acid with similar properties. This amino acid position is conserved. In addition, this alteration is predicted to be tolerated by in silico analysis. Based on the available evidence, the clinical significance of this variant remains unclear.

NM_004991.4(MECOM):c.472G>C (p.Asp158His)

Gene: MECOM (MDS1 and EVI1 complex locus; minus strand). Cytogenetic location: 3q26.2.
Variant type: single nucleotide variant.
Coding change: c.472G>C on transcript NM_004991.4 (MANE Select); coding-DNA position 472, G replaced by C.
Protein change: p.Asp158His; replaces aspartic acid 158 with histidine.
Molecular consequence: missense variant. On other transcripts: 5 prime UTR variant (12).
Genome position (GRCh38, 1-based): chr3:169,143,736, C>G on the plus strand (G>C on the coding strand, the complement: MECOM is on the minus strand). VCF-style: chr3-169143736-C-G. GRCh37 (hg19) VCF-style: chr3-168861524-C-G.
Other names: c.100G>C, p.Asp34His (NM_001105077.4); c.-93G>C (NM_001105078.4, NM_001163999.2, NM_001164000.2 and 9 more transcripts); c.472G>C, p.Asp158His (NM_001366466.2, NM_001366473.2); short protein forms D158H, D34H.
Identifiers: ClinVar variation 4842755 (VCV004842755.1).